The following is an entry in ClinVar:

ClinVar aggregate classification (germline): Uncertain significance (1 of 4 stars; one submission).

Submission:

GeneDx
Classification: Uncertain significance. Last evaluated: 2024-12-21. Review status: criteria provided, single submitter. Criteria: GeneDx Variant Classification Process June 2021. Collection method: clinical testing. Allele origin: germline. Affected: yes.
Comment: Not observed at significant frequency in large population cohorts (gnomAD); In silico analysis indicates that this missense variant does not alter protein structure/function; Has not been previously published as pathogenic or benign to our knowledge

NM_015047.3(EMC1):c.2500C>T (p.Leu834Phe)

Genes: EMC1 (ER membrane protein complex subunit 1; minus strand), EMC1-AS1 (EMC1 antisense RNA 1; plus strand). Cytogenetic location: 1p36.13.
Variant type: single nucleotide variant.
Coding change: c.2500C>T on transcript NM_015047.3 (MANE Select); coding-DNA position 2500, C replaced by T.
Protein change: p.Leu834Phe; replaces leucine 834 with phenylalanine.
Molecular consequence: missense variant.
Genome position (GRCh38, 1-based): chr1:19,222,711, G>A on the plus strand (C>T on the coding strand, the complement: EMC1 is on the minus strand). VCF-style: chr1-19222711-G-A. GRCh37 (hg19) VCF-style: chr1-19549205-G-A.
Other names: c.2497C>T, p.Leu833Phe (NM_001271427.2, NM_001271428.2); c.2434C>T, p.Leu812Phe (NM_001271429.2); c.2509C>T, p.Leu837Phe (NM_001375820.1); c.2506C>T, p.Leu836Phe (NM_001375821.1); short protein forms L812F, L833F, L834F, L836F, L837F.
Identifiers: ClinVar variation 3906415 (VCV003906415.1).